The following is an entry in ClinVar:

ClinVar aggregate classification (germline): Uncertain significance (1 of 4 stars; one submission).

Conditions:
Familial adenomatous polyposis 1 (FAP1). Also called: FAMILIAL ADENOMATOUS POLYPOSIS 1, ATTENUATED; POLYPOSIS, ADENOMATOUS INTESTINAL. Identifiers: MedGen C2713442, MONDO:0021056, OMIM 175100. Disease mechanism: loss of function.

Submission:

Labcorp Genetics (formerly Invitae), Labcorp
Classification: Uncertain significance for Familial adenomatous polyposis 1. Last evaluated: 2023-06-04. Review status: criteria provided, single submitter. Criteria: Invitae Variant Classification Sherloc (09022015). Collection method: clinical testing. Allele origin: germline.
Comment: This variant occurs in a non-coding region of the APC gene. It does not change the encoded amino acid sequence of the APC protein. This variant is not present in population databases (gnomAD no frequency). This variant has not been reported in the literature in individuals affected with APC-related conditions. Experimental studies and prediction algorithms are not available or were not evaluated, and the functional significance of this variant is currently unknown. In summary, the available evidence is currently insufficient to determine the role of this variant in disease. Therefore, it has been classified as a Variant of Uncertain Significance.

NC_000005.10:g.112707322A>G

Gene: APC (APC regulator of Wnt signaling pathway; plus strand). Cytogenetic location: 5q22.2.
Variant type: single nucleotide variant.
Genome position: GRCh38 VCF-style: chr5-112707322-A-G. GRCh37 (hg19) VCF-style: chr5-112043019-A-G.
Identifiers: ClinVar variation 3002108 (VCV003002108.3), dbSNP rs2531729947, ClinGen allele CA2740094006.